The following is an entry in ClinVar:

NM_021224.6(ZNF462):c.1075T>C (p.Leu359=)

Gene: ZNF462 (zinc finger protein 462; plus strand). Cytogenetic location: 9q31.2.
Variant type: single nucleotide variant.
Coding change: c.1075T>C on transcript NM_021224.6 (MANE Select); coding-DNA position 1075, T replaced by C.
Protein change: p.Leu359=; no amino-acid change (leucine 359 retained).
Molecular consequence: synonymous variant.
Genome position (GRCh38, 1-based): chr9:106,924,987, T>C. VCF-style: chr9-106924987-T-C. GRCh37 (hg19) VCF-style: chr9-109687268-T-C.
Other names: c.1075T>C, p.Leu359= (NM_001347997.2).
Identifiers: ClinVar variation 5038894 (VCV005038894.1).

ClinVar aggregate classification (germline): Likely benign (1 of 4 stars; one submission).

Submission:

CeGaT Center for Human Genetics Tuebingen
Classification: Likely benign. Last evaluated: 2026-08-01. Review status: criteria provided, single submitter. Criteria: CeGaT Center For Human Genetics Tuebingen Variant Classification Criteria Version 2. Collection method: clinical testing. Allele origin: germline. Affected: yes. Observed: 1 variant allele.
Comment: ZNF462: BP4, BP7